The following is an entry in ClinVar:

NM_000256.3(MYBPC3):c.353G>C (p.Gly118Ala)

Gene: MYBPC3 (myosin binding protein C3; minus strand). Cytogenetic location: 11p11.2.
Variant type: single nucleotide variant.
Coding change: c.353G>C on transcript NM_000256.3 (MANE Select); coding-DNA position 353, G replaced by C.
Protein change: p.Gly118Ala; replaces glycine 118 with alanine.
Molecular consequence: missense variant.
Genome position (GRCh38, 1-based): chr11:47,350,555, C>G on the plus strand (G>C on the coding strand, the complement: MYBPC3 is on the minus strand). VCF-style: chr11-47350555-C-G. GRCh37 (hg19) VCF-style: chr11-47372106-C-G.
Other names: short protein forms G118A.
Identifiers: ClinVar variation 1443611 (VCV001443611.6), dbSNP rs1565631368, ClinGen allele CA380340692.

ClinVar aggregate classification (germline): Uncertain significance (1 of 4 stars; one submission).

Conditions:
Hypertrophic cardiomyopathy. Also called: HYPERTROPHIC MYOCARDIOPATHY. Identifiers: Orphanet 217569, MedGen C0007194, MeSH D002312, MONDO:0005045, HP:0001639.

Submission:

Labcorp Genetics (formerly Invitae), Labcorp
Classification: Uncertain significance for Hypertrophic cardiomyopathy. Last evaluated: 2022-02-08. Review status: criteria provided, single submitter. Criteria: Invitae Variant Classification Sherloc (09022015). Collection method: clinical testing. Allele origin: germline.
Comment: This variant has not been reported in the literature in individuals affected with MYBPC3-related conditions. In summary, the available evidence is currently insufficient to determine the role of this variant in disease. Therefore, it has been classified as a Variant of Uncertain Significance. Algorithms developed to predict the effect of missense changes on protein structure and function (SIFT, PolyPhen-2, Align-GVGD) all suggest that this variant is likely to be tolerated. This variant is not present in population databases (gnomAD no frequency). This sequence change replaces glycine, which is neutral and non-polar, with alanine, which is neutral and non-polar, at codon 118 of the MYBPC3 protein (p.Gly118Ala).